The following is an entry in ClinVar:

ClinVar aggregate classification (germline): Uncertain significance (1 of 4 stars; one submission).

gnomAD v4.1: 5 of 1,614,098 alleles (0.00031%); highest among the groups gnomAD compares: Non-Finnish European, 0.00042%; no homozygotes.

Submission:

Labcorp Genetics (formerly Invitae), Labcorp
Classification: Uncertain significance. Last evaluated: 2025-10-15. Review status: criteria provided, single submitter. Criteria: Invitae Variant Classification Sherloc (09022015). Collection method: clinical testing. Allele origin: germline.
Comment: This sequence change replaces serine, which is neutral and polar, with glycine, which is neutral and non-polar, at codon 59 of the CLTC protein (p.Ser59Gly). This variant is present in population databases (rs767119871, gnomAD 0.0009%). This variant has not been reported in the literature in individuals affected with CLTC-related conditions. Invitae Evidence Modeling of protein sequence and biophysical properties (such as structural, functional, and spatial information, amino acid conservation, physicochemical variation, residue mobility, and thermodynamic stability) indicates that this missense variant is not expected to disrupt CLTC protein function with a negative predictive value of 80%. Algorithms developed to predict the effect of sequence changes on RNA splicing suggest that this variant may create or strengthen a splice site. In summary, the available evidence is currently insufficient to determine the role of this variant in disease. Therefore, it has been classified as a Variant of Uncertain Significance.

NM_004859.4(CLTC):c.175A>G (p.Ser59Gly)

Gene: CLTC (clathrin heavy chain; plus strand). Cytogenetic location: 17q23.1.
Variant type: single nucleotide variant.
Coding change: c.175A>G on transcript NM_004859.4 (MANE Select); coding-DNA position 175, A replaced by G.
Protein change: p.Ser59Gly; replaces serine 59 with glycine.
Molecular consequence: missense variant.
Genome position (GRCh38, 1-based): chr17:59,644,408, A>G. VCF-style: chr17-59644408-A-G. GRCh37 (hg19) VCF-style: chr17-57721769-A-G.
Other names: c.175A>G, p.Ser59Gly (NM_001288653.2); short protein forms S59G.
Identifiers: ClinVar variation 4701574 (VCV004701574.1).